The following is an entry in ClinVar:

ClinVar aggregate classification (germline): Likely pathogenic (1 of 4 stars; one submission).

Conditions:
Nephrotic syndrome, type 2 (NPHS2). Also called: NEPHROTIC SYNDROME, STEROID-RESISTANT, AUTOSOMAL RECESSIVE. Identifiers: Orphanet 656, MedGen C1868672, MONDO:0010974, OMIM 600995.

Submission:

MVZ Medizinische Genetik Mainz
Classification: Likely pathogenic for Nephrotic syndrome, type 2. Last evaluated: 2026-06-17. Review status: criteria provided, single submitter. Criteria: UK Practice Guidelines For Variant Classification V4 01 2020. Collection method: clinical testing. Allele origin: germline. Inheritance: Autosomal recessive inheritance. Affected: yes. Observed: 1 variant allele.
Comment: ACMG Criteria: PVS1,PM2_SUP

NM_014625.4(NPHS2):c.974dup (p.His325fs)

Genes: AXDND1 (axonemal dynein light chain domain containing 1; plus strand), NPHS2 (NPHS2 stomatin family member, podocin; minus strand). Cytogenetic location: 1q25.2.
Variant type: Duplication.
Coding change: c.974dup on transcript NM_014625.4 (MANE Select); coding-DNA position 974, one base duplicated (A; older notation c.974dupA).
Protein change: p.His325fs; shifts the reading frame from histidine 325.
Molecular consequence: frameshift variant. On other transcripts: intron variant (1).
Genome position (GRCh38, 1-based): chr1:179,551,351, T duplicated on the plus strand (A on the coding strand, the reverse complement: NPHS2 is on the minus strand). VCF-style (leftmost placement, unchanged base first): chr1-179551350-G-GT. GRCh37 (hg19) VCF-style: chr1-179520485-G-GT.
Other names: c.770dup, p.His257fs (NM_001297575.2); c.3032-3161dup (NM_144696.6); short protein forms H257fs, H325fs.
Identifiers: ClinVar variation 5038240 (VCV005038240.1).